The following is an entry in ClinVar:

ClinVar aggregate classification (germline): Conflicting classifications of pathogenicity. Review status: criteria provided, conflicting classifications (1 of 4 stars). 4 submissions from 4 submitters: Uncertain significance (2); Likely benign (2). Last evaluated 2025-04-16.

Conditions:
CACNB2-related disorder. Also called: CACNB2-related condition.
Brugada syndrome 4 (BRGDA4). Identifiers: Orphanet 130, MedGen C2678477, MONDO:0012743, OMIM 611876.
Hypertrophic cardiomyopathy. Also called: HYPERTROPHIC MYOCARDIOPATHY. Identifiers: Orphanet 217569, MedGen C0007194, MeSH D002312, MONDO:0005045, HP:0001639.

Allele frequency attached by ClinVar (database versions not stated): gnomAD 0.00031; TOPMed 0.00032; ESP Exome Variant Server 0.00054.
gnomAD v4.1: 965 of 1,613,838 alleles (0.06%); highest among the groups gnomAD compares: Non-Finnish European, 0.076%; no homozygotes.

Submissions (4):

PreventionGenetics, part of Exact Sciences
Classification: Likely benign for CACNB2-related condition. Last evaluated: 2025-04-16. Review status: criteria provided, single submitter. Criteria: ACMG Guidelines, 2015. Collection method: clinical testing. Allele origin: germline.
Comment: This variant is classified as likely benign based on ACMG/AMP sequence variant interpretation guidelines (Richards et al. 2015 PMID: 25741868, with internal and published modifications).

Labcorp Genetics (formerly Invitae), Labcorp
Classification: Likely benign for Brugada syndrome 4. Last evaluated: 2025-03-03. Review status: criteria provided, single submitter. Criteria: Invitae Variant Classification Sherloc (09022015). Collection method: clinical testing. Allele origin: germline.

Department of Pathology and Laboratory Medicine, Sinai Health System
Classification: Uncertain significance for hypertrophic cardiomyopathy. Last evaluated: 2022-02-25. Review status: criteria provided, single submitter. Criteria: ACMG Guidelines, 2015. Collection method: research. Allele origin: germline.

Laboratory for Molecular Medicine, Mass General Brigham Personalized Medicine
Classification: Uncertain significance. Last evaluated: 2016-06-23. Review status: criteria provided, single submitter. Criteria: LMM Criteria. Collection method: clinical testing. Allele origin: germline.
Comment: Variant identified in a genome or exome case(s) and assessed due to predicted null impact of the variant or pathogenic assertions in the literature or databases. Disclaimer: This variant has not undergone full assessment.

NM_201596.3(CACNB2):c.804+146G>T

Gene: CACNB2 (calcium voltage-gated channel auxiliary subunit beta 2; plus strand). Cytogenetic location: 10p12.31.
Variant type: single nucleotide variant.
Coding change: c.804+146G>T on transcript NM_201596.3 (MANE Select); 146 bases into the intron after coding-DNA position 804, G replaced by T.
Molecular consequence: intron variant. On other transcripts: missense variant (3).
Genome position (GRCh38, 1-based): chr10:18,514,515, G>T. VCF-style: chr10-18514515-G-T. GRCh37 (hg19) VCF-style: chr10-18803444-G-T.
Other names: c.591G>T, p.Lys197Asn (NM_001167945.2); c.510G>T, p.Lys170Asn (NM_001330060.2); c.675G>T, p.Lys225Asn (NM_201593.3); c.720+146G>T (NM_201571.4); c.587-465G>T (NM_201572.4); c.671-465G>T (NM_201597.3); c.639+146G>T (NM_000724.4); c.642+146G>T (NM_201590.3); and 2 more; short protein forms K197N, K170N, K225N.
Identifiers: ClinVar variation 402473 (VCV000402473.14), dbSNP rs199539261, ClinGen allele CA5429745.